The following is an entry in ClinVar:

ClinVar aggregate classification (germline): Likely benign. Review status: criteria provided, multiple submitters, no conflicts (2 of 4 stars). 4 submissions from 4 submitters: Likely benign (3). 1 of the submissions does not count toward it. Last evaluated 2025-11-22.

Conditions:
GUCY2C-related disorder. Also called: GUCY2C-related condition.

Allele frequency attached by ClinVar (database versions not stated): gnomAD 0.00006 and 0.00011; TOPMed 0.00008; gnomAD exomes 0.00019 and 0.00033; ExAC 0.00046.
gnomAD v4.1: 297 of 1,607,406 alleles (0.018%); highest among the groups gnomAD compares: South Asian, 0.17%; 6 homozygotes.

Submissions (4):

Labcorp Genetics (formerly Invitae), Labcorp
Classification: Likely benign. Last evaluated: 2025-11-22. Review status: criteria provided, single submitter. Criteria: Invitae Variant Classification Sherloc (09022015). Collection method: clinical testing. Allele origin: germline.

Blueprint Genetics
Classification: Likely benign. Last evaluated: 2024-11-07. Review status: criteria provided, single submitter. Criteria: ACMG Guidelines, 2015. Collection method: clinical testing. Allele origin: germline.

Breakthrough Genomics
Classification: Likely benign. Review status: criteria provided, single submitter. Criteria: ACMG Guidelines, 2015. Collection method: not provided. Allele origin: germline. Inheritance: Autosomal recessive inheritance. Affected: yes.

PreventionGenetics, part of Exact Sciences
Classification: Likely benign for GUCY2C-related condition. Last evaluated: 2024-03-11. Review status: no assertion criteria provided. Collection method: clinical testing. Allele origin: germline. Not counted in ClinVar's aggregate classification.
Comment: This variant is classified as likely benign based on ACMG/AMP sequence variant interpretation guidelines (Richards et al. 2015 PMID: 25741868, with internal and published modifications).

NM_004963.4(GUCY2C):c.2256T>C (p.Phe752=)

Gene: GUCY2C (guanylate cyclase 2C; minus strand). Cytogenetic location: 12p12.3.
Variant type: single nucleotide variant.
Coding change: c.2256T>C on transcript NM_004963.4 (MANE Select); coding-DNA position 2256, T replaced by C.
Protein change: p.Phe752=; no amino-acid change (phenylalanine 752 retained).
Molecular consequence: synonymous variant.
Genome position (GRCh38, 1-based): chr12:14,625,909, A>G on the plus strand (T>C on the coding strand, the complement: GUCY2C is on the minus strand). VCF-style: chr12-14625909-A-G. GRCh37 (hg19) VCF-style: chr12-14778843-A-G.
Other names: c.2256T>C (NM_004963.3).
Identifiers: ClinVar variation 1088790 (VCV001088790.12), dbSNP rs763353051, ClinGen allele CA6463105.